The following is an entry in ClinVar:

ClinVar aggregate classification (germline): Pathogenic (1 of 4 stars; one submission).

Conditions:
Galactosylceramide beta-galactosidase deficiency. Also called: GALACTOCEREBROSIDASE DEFICIENCY; GALC DEFICIENCY; GLOBOID CELL LEUKOENCEPHALOPATHY; Leukodystrophy, Globoid Cell; Krabbe Disease. Identifiers: Orphanet 487, MedGen C0023521, MONDO:0009499, OMIM 245200.

Submission:

Myriad Genetics, Inc.
Classification: Pathogenic for Galactosylceramide beta-galactosidase deficiency. Last evaluated: 2026-04-28. Review status: criteria provided, single submitter. Criteria: Myriad Autosomal Dominant, Autosomal Recessive and X-Linked Classification Criteria (2023). Collection method: clinical testing. Allele origin: unknown.
Comment: NM_000153.3(GALC):c.30G>A(W10*) is a nonsense variant classified as pathogenic in the context of Krabbe disease. W10* has not been observed in cases with relevant disease. Relevant functional assessments of this variant are not available in the literature. W10* has not been observed in referenced population frequency databases. In summary, NM_000153.3(GALC):c.30G>A(W10*) is a nonsense variant in a gene where loss of function is a known mechanism of disease and is predicted to disrupt protein function. Please note: this variant was assessed in the context of healthy population screening.

NM_000153.4(GALC):c.30G>A (p.Trp10Ter)

Gene: GALC (galactosylceramidase; minus strand). Cytogenetic location: 14q31.3.
Variant type: single nucleotide variant.
Coding change: c.30G>A on transcript NM_000153.4 (MANE Select); coding-DNA position 30, G replaced by A.
Protein change: p.Trp10Ter; replaces tryptophan 10 with a stop codon.
Molecular consequence: nonsense. On other transcripts: 5 prime UTR variant (3), non-coding transcript variant (1), intron variant (2).
Genome position (GRCh38, 1-based): chr14:87,993,135, C>T on the plus strand (G>A on the coding strand, the complement: GALC is on the minus strand). VCF-style: chr14-87993135-C-T. GRCh37 (hg19) VCF-style: chr14-88459479-C-T.
Other names: c.30G>A, p.Trp10Ter (NM_001201401.2); c.-241G>A (NM_001424072.1); c.-407G>A (NM_001424075.1); c.-638G>A (NM_001424077.1); c.-473+248G>A (NM_001424076.1); c.117+248G>A (NM_001201402.2); short protein forms W10*.
Identifiers: ClinVar variation 5003322 (VCV005003322.1).